The following is an entry in ClinVar:

NM_172364.5(CACNA2D4):c.2393del (p.Phe798fs)

Gene: CACNA2D4 (calcium voltage-gated channel auxiliary subunit alpha2delta 4; minus strand). Cytogenetic location: 12p13.33.
Variant type: Deletion.
Coding change: c.2393del on transcript NM_172364.5 (MANE Select); coding-DNA position 2393, one base deleted (T; older notation c.2393delT).
Protein change: p.Phe798fs; shifts the reading frame from phenylalanine 798.
Molecular consequence: frameshift variant.
Genome position (GRCh38, 1-based): chr12:1,844,479, A deleted on the plus strand (T on the coding strand, the reverse complement: CACNA2D4 is on the minus strand); the first of 2 consecutive A bases (chr12:1,844,479-1,844,480); deleting either gives the same sequence. VCF-style (leftmost placement, unchanged base first): chr12-1844478-GA-G. GRCh37 (hg19) VCF-style: chr12-1953644-GA-G.
Other names: short protein forms F798fs.
Identifiers: ClinVar variation 1433726 (VCV001433726.6), dbSNP rs1350324732, ClinGen allele CA602681962.

ClinVar aggregate classification (germline): Uncertain significance (1 of 4 stars; one submission).

Submission:

Labcorp Genetics (formerly Invitae), Labcorp
Classification: Uncertain significance. Last evaluated: 2021-02-25. Review status: criteria provided, single submitter. Criteria: Invitae Variant Classification Sherloc (09022015). Collection method: clinical testing. Allele origin: germline.
Comment: In summary, the available evidence is currently insufficient to determine the role of this variant in disease. Therefore, it has been classified as a Variant of Uncertain Significance. This variant has not been reported in the literature in individuals with CACNA2D4-related conditions. This variant is not present in population databases (ExAC no frequency). This sequence change creates a premature translational stop signal (p.Phe798Serfs*35) in the CACNA2D4 gene. It is expected to result in an absent or disrupted protein product. However, the current clinical and genetic evidence is not sufficient to establish whether loss-of-function variants in CACNA2D4 cause disease.